The following is an entry in ClinVar:

NM_020919.4(ALS2):c.878C>T (p.Thr293Ile)

Gene: ALS2 (alsin Rho guanine nucleotide exchange factor ALS2; minus strand). Cytogenetic location: 2q33.1.
Variant type: single nucleotide variant.
Coding change: c.878C>T on transcript NM_020919.4 (MANE Select); coding-DNA position 878, C replaced by T.
Protein change: p.Thr293Ile; replaces threonine 293 with isoleucine.
Molecular consequence: missense variant.
Genome position (GRCh38, 1-based): chr2:201,761,116, G>A on the plus strand (C>T on the coding strand, the complement: ALS2 is on the minus strand). VCF-style: chr2-201761116-G-A. GRCh37 (hg19) VCF-style: chr2-202625839-G-A.
Other names: c.878C>T, p.Thr293Ile (NM_001135745.2); short protein forms T293I.
Identifiers: ClinVar variation 1413218 (VCV001413218.5), dbSNP rs537187775, ClinGen allele CA2058586.

ClinVar aggregate classification (germline): Uncertain significance (1 of 4 stars; one submission).

Conditions:
Infantile-onset ascending hereditary spastic paralysis (IAHSP). Also called: Autosomal Recessive Juvenile Amyotrophic Lateral Sclerosis; Infantile-Onset Ascending Hereditary Spastic Paralysis (IAHSP). Identifiers: Orphanet 293168, MedGen C2931441, MONDO:0011797, OMIM 607225. Disease mechanism: loss of function.

gnomAD v4.1: 29 of 1,614,092 alleles (0.0018%); highest among the groups gnomAD compares: Non-Finnish European, 0.0022%; no homozygotes.

Submission:

Labcorp Genetics (formerly Invitae), Labcorp
Classification: Uncertain significance for Infantile-onset ascending hereditary spastic paralysis. Last evaluated: 2022-06-13. Review status: criteria provided, single submitter. Criteria: Invitae Variant Classification Sherloc (09022015). Collection method: clinical testing. Allele origin: germline.
Comment: This sequence change replaces threonine, which is neutral and polar, with isoleucine, which is neutral and non-polar, at codon 293 of the ALS2 protein (p.Thr293Ile). This variant is present in population databases (rs537187775, gnomAD 0.003%). This missense change has been observed in individual(s) with ALS2-related conditions although a second variant was not observed (PMID: 33589474). Algorithms developed to predict the effect of missense changes on protein structure and function are either unavailable or do not agree on the potential impact of this missense change (SIFT: "Deleterious"; PolyPhen-2: "Benign"; Align-GVGD: "Class C0"). In summary, the available evidence is currently insufficient to determine the role of this variant in disease. Therefore, it has been classified as a Variant of Uncertain Significance.

Literature cited by the submitters: PubMed 33589474.